The following is an entry in ClinVar:

ClinVar aggregate classification (germline): Uncertain significance (1 of 4 stars; one submission).

Conditions:
Emery-Dreifuss muscular dystrophy (EDMD). Also called: Scapuloperoneal syndrome, X-linked (formerly); Humeroperoneal neuromuscular disease, (formerly). Identifiers: Orphanet 261, MedGen C0410189, MONDO:0016830.

Allele frequency attached by ClinVar (database versions not stated): TOPMed 0.00001; ExAC 0.00002; gnomAD 0.00003 and 0.00004.

Submission:

Labcorp Genetics (formerly Invitae), Labcorp
Classification: Uncertain significance for Emery-Dreifuss muscular dystrophy. Last evaluated: 2024-02-20. Review status: criteria provided, single submitter. Criteria: Invitae Variant Classification Sherloc (09022015). Collection method: clinical testing. Allele origin: germline.
Comment: This sequence change replaces arginine, which is basic and polar, with glutamine, which is neutral and polar, at codon 130 of the SUN1 protein (p.Arg130Gln). This variant is present in population databases (rs781471011, gnomAD 0.003%). This variant has not been reported in the literature in individuals affected with SUN1-related conditions. ClinVar contains an entry for this variant (Variation ID: 659537). An algorithm developed to predict the effect of missense changes on protein structure and function (PolyPhen-2) suggests that this variant is likely to be disruptive. In summary, the available evidence is currently insufficient to determine the role of this variant in disease. Therefore, it has been classified as a Variant of Uncertain Significance.

NM_001130965.3(SUN1):c.389G>A (p.Arg130Gln)

Gene: SUN1 (Sad1 and UNC84 domain containing 1; plus strand). Cytogenetic location: 7p22.3.
Variant type: single nucleotide variant.
Coding change: c.389G>A on transcript NM_001130965.3 (MANE Select); coding-DNA position 389, G replaced by A.
Protein change: p.Arg130Gln; replaces arginine 130 with glutamine.
Molecular consequence: missense variant. On other transcripts: 5 prime UTR variant (4), non-coding transcript variant (3).
Genome position (GRCh38, 1-based): chr7:842,068, G>A. VCF-style: chr7-842068-G-A. GRCh37 (hg19) VCF-style: chr7-881705-G-A.
Other names: c.389G>A, p.Arg130Gln (NM_001171944.2, NM_001171946.2, NM_001367633.1 and 34 more transcripts); c.452G>A, p.Arg151Gln (NM_001171945.2); c.-69G>A (NM_001367635.1); c.239G>A, p.Arg80Gln (NM_001367636.1, NM_001367637.1, NM_001367644.1 and 24 more transcripts); c.-179G>A (NM_001367639.1, NM_001367708.1); c.608G>A, p.Arg203Gln (NM_001367651.1); c.-373G>A (NM_001367658.1); c.200G>A, p.Arg67Gln (NM_001367695.1); short protein forms R130Q, R203Q, R67Q, R80Q, R151Q.
Identifiers: ClinVar variation 659537 (VCV000659537.8), dbSNP rs781471011, ClinGen allele CA4111489.